The following is an entry in ClinVar:

NM_006269.2(RP1):c.1402A>T (p.Thr468Ser)

Gene: RP1 (RP1 axonemal microtubule associated; plus strand). Cytogenetic location: 8q12.1.
Variant type: single nucleotide variant.
Coding change: c.1402A>T on transcript NM_006269.2 (MANE Select); coding-DNA position 1402, A replaced by T.
Protein change: p.Thr468Ser; replaces threonine 468 with serine.
Molecular consequence: missense variant. On other transcripts: intron variant (1).
Genome position (GRCh38, 1-based): chr8:54,625,284, A>T. VCF-style: chr8-54625284-A-T. GRCh37 (hg19) VCF-style: chr8-55537844-A-T.
Other names: c.787+2996A>T (NM_001375654.1); short protein forms T468S.
Identifiers: ClinVar variation 1522189 (VCV001522189.6), dbSNP rs1185602873, ClinGen allele CA370990225.
Genomic context (GRCh38, chr8:54,625,284, plus strand): 5'-AGGCCCCCTACACCTGGACTAAGAAGAGTGAGACAAAAGAAATCTGTGATTGGCAGTGTG[A>T]CCTTAGTATCTGAAACTGAGGTTCAAGAGAAAATGATTGGACAGTTTTCATATAGTGAAG-3'
Protein context (NP_006260.1, residues 458-478): RQKKSVIGSV[Thr468Ser]LVSETEVQEK

ClinVar aggregate classification (germline): Uncertain significance (1 of 4 stars; one submission).

Allele frequency attached by ClinVar (database versions not stated): TOPMed below 0.00001; gnomAD exomes 0.00001.
gnomAD v4.1: 3 of 1,614,204 alleles (0.00019%); highest among the groups gnomAD compares: Non-Finnish European, 0.000085%; no homozygotes.

Submission:

Labcorp Genetics (formerly Invitae), Labcorp
Classification: Uncertain significance. Last evaluated: 2021-10-27. Review status: criteria provided, single submitter. Criteria: Invitae Variant Classification Sherloc (09022015). Collection method: clinical testing. Allele origin: germline.
Comment: In summary, the available evidence is currently insufficient to determine the role of this variant in disease. Therefore, it has been classified as a Variant of Uncertain Significance. Algorithms developed to predict the effect of missense changes on protein structure and function (SIFT, PolyPhen-2, Align-GVGD) all suggest that this variant is likely to be disruptive. This variant has not been reported in the literature in individuals affected with RP1-related conditions. This variant is present in population databases (no rsID available, gnomAD 0.3%). This sequence change replaces threonine, a(n) neutral and polar amino acid, with serine, a(n) neutral and polar amino acid, at codon 468 of the RP1 protein (p.Thr468Ser).